The following is an entry in ClinVar:

NM_014208.3(DSPP):c.1196A>G (p.Lys399Arg)

Genes: DMP1-AS1 (DMP1 and DSPP antisense RNA 1; minus strand), DSPP (dentin sialophosphoprotein; plus strand). Cytogenetic location: 4q22.1.
Variant type: single nucleotide variant.
Coding change: c.1196A>G on transcript NM_014208.3 (MANE Select); coding-DNA position 1196, A replaced by G.
Protein change: p.Lys399Arg; replaces lysine 399 with arginine.
Molecular consequence: missense variant.
Genome position (GRCh38, 1-based): chr4:87,613,858, A>G. VCF-style: chr4-87613858-A-G. GRCh37 (hg19) VCF-style: chr4-88535010-A-G.
Other names: short protein forms K399R.
Identifiers: ClinVar variation 4072719 (VCV004072719.2).

ClinVar aggregate classification (germline): Uncertain significance (1 of 4 stars; one submission).

gnomAD v4.1: 26 of 1,614,222 alleles (0.0016%); highest among the groups gnomAD compares: Non-Finnish European, 0.0021%; no homozygotes.

Submission:

GeneDx
Classification: Uncertain significance. Last evaluated: 2026-08-18. Review status: criteria provided, single submitter. Criteria: GeneDx Variant Classification Process June 2021. Collection method: clinical testing. Allele origin: germline.
Comment: Not observed at significant frequency in large population cohorts (gnomAD); In silico analysis suggests that this missense variant does not alter protein structure/function; Has not been previously published as pathogenic or benign to our knowledge